The following is an entry in ClinVar:

ClinVar aggregate classification (germline): Conflicting classifications of pathogenicity. Review status: criteria provided, conflicting classifications (1 of 4 stars). 3 submissions from 3 submitters: Uncertain significance (2); Likely benign (1). Last evaluated 2026-07-01.

Conditions:
Inborn genetic diseases. Identifiers: MedGen C0950123, MeSH D030342.
Intellectual developmental disorder, X-linked, syndromic 14. Also called: Syndromic X-linked intellectual disability 14. Identifiers: Orphanet 776, MedGen C1970822, MONDO:0010398, OMIM 300676.

Allele frequency attached by ClinVar (database versions not stated): TOPMed 0.00005; gnomAD 0.00006 and 0.00007; gnomAD exomes 0.00002; ESP Exome Variant Server 0.00009.

Submissions (3):

CeGaT Center for Human Genetics Tuebingen
Classification: Likely benign. Last evaluated: 2026-07-01. Review status: criteria provided, single submitter. Criteria: CeGaT Center For Human Genetics Tuebingen Variant Classification Criteria Version 2. Collection method: clinical testing. Allele origin: germline. Affected: yes. Observed: 1 variant allele.
Comment: UPF3B: PM5, BS2

Labcorp Genetics (formerly Invitae), Labcorp
Classification: Uncertain significance for Intellectual developmental disorder, X-linked, syndromic 14. Last evaluated: 2025-03-16. Review status: criteria provided, single submitter. Criteria: Invitae Variant Classification Sherloc (09022015). Collection method: clinical testing. Allele origin: germline.
Comment: This sequence change replaces arginine, which is basic and polar, with tryptophan, which is neutral and slightly polar, at codon 368 of the UPF3B protein (p.Arg368Trp). This variant is present in population databases (rs374676402, gnomAD 0.02%), including at least one homozygous and/or hemizygous individual. This variant has not been reported in the literature in individuals affected with UPF3B-related conditions. ClinVar contains an entry for this variant (Variation ID: 1041099). Invitae Evidence Modeling of protein sequence and biophysical properties (such as structural, functional, and spatial information, amino acid conservation, physicochemical variation, residue mobility, and thermodynamic stability) has been performed for this missense variant. However, the output from this modeling did not meet the statistical confidence thresholds required to predict the impact of this variant on UPF3B protein function. In summary, the available evidence is currently insufficient to determine the role of this variant in disease. Therefore, it has been classified as a Variant of Uncertain Significance.

Ambry Genetics
Classification: Uncertain significance for Inborn genetic diseases. Last evaluated: 2018-05-17. Review status: criteria provided, single submitter. Criteria: Ambry Variant Classification Scheme 2023. Collection method: clinical testing. Allele origin: germline.
Comment: The p.R368W variant (also known as c.1102C>T), located in coding exon 10 of the UPF3B gene, results from a C to T substitution at nucleotide position 1102. The arginine at codon 368 is replaced by tryptophan, an amino acid with dissimilar properties. This amino acid position is highly conserved in available vertebrate species. In addition, this alteration is predicted to be tolerated by in silico analysis. Since supporting evidence is limited at this time, the clinical significance of this alteration remains unclear.

NM_080632.3(UPF3B):c.1102C>T (p.Arg368Trp)

Gene: UPF3B (UPF3B regulator of nonsense mediated mRNA decay; minus strand). Cytogenetic location: Xq24.
Variant type: single nucleotide variant.
Coding change: c.1102C>T on transcript NM_080632.3 (MANE Select); coding-DNA position 1102, C replaced by T.
Protein change: p.Arg368Trp; replaces arginine 368 with tryptophan.
Molecular consequence: missense variant.
Genome position (GRCh38, 1-based): chrX:119,837,957, G>A on the plus strand (C>T on the coding strand, the complement: UPF3B is on the minus strand). VCF-style: chrX-119837957-G-A. GRCh37 (hg19) VCF-style: chrX-118971920-G-A.
Other names: c.1063C>T, p.Arg355Trp (NM_023010.4); short protein forms R355W, R368W.
Identifiers: ClinVar variation 1041099 (VCV001041099.12), dbSNP rs374676402, ClinGen allele CA10503188.